The following is an entry in ClinVar:

NC_000002.11:g.(228193506_228194321)_(228205097_228207460)dup

Gene: MFF (mitochondrial fission factor; plus strand). Cytogenetic location: 2q36.3.
Variant type: Duplication.
Identifiers: ClinVar variation 1878242 (VCV001878242.1).

ClinVar aggregate classification (germline): Uncertain significance (1 of 4 stars; one submission).

Submission:

Women's Health and Genetics/Laboratory Corporation of America, LabCorp
Classification: Uncertain significance. Last evaluated: 2022-12-01. Review status: criteria provided, single submitter. Criteria: LabCorp Variant Classification Summary - May 2015. Collection method: clinical testing. Allele origin: germline.
Comment: Variant summary: The variant identified by MLPA or other technology involves the duplication of exons 3-6 in the MFF gene. A presumed nomenclature of c.(-141+1_-140-1)_(518+1_519-1)dup has been designated for the purposes of this classification. It has been assumed that this is a tandem duplication in direct orientation (Richardson_GIM_2018, Newman_AJHG_2015). Although exact breakpoints of this CNV are not known, it is expected to result in a large duplication change in the MFF gene, including the initiation codon within exon 3. The variant was absent in 21694 control chromosomes in the gnomAD database (Structural Variants dataset). To our knowledge, no occurrence of c.(-141+1_-140-1)_(518+1_519-1)dup in individuals affected with Encephalopathy Due To Defective Mitochondrial And Peroxisomal Fission 2 and no experimental evidence demonstrating its impact on protein function have been reported. No clinical diagnostic laboratories have submitted clinical-significance assessments for this variant to ClinVar after 2014. Based on the evidence outlined above, the variant was classified as uncertain significance.